The following is an entry in ClinVar:

NM_001242896.3(DEPDC5):c.2626C>T (p.Leu876Phe)

Gene: DEPDC5 (DEP domain containing 5, GATOR1 subcomplex subunit; plus strand). Cytogenetic location: 22q12.3.
Variant type: single nucleotide variant.
Coding change: c.2626C>T on transcript NM_001242896.3 (MANE Select); coding-DNA position 2626, C replaced by T.
Protein change: p.Leu876Phe; replaces leucine 876 with phenylalanine.
Molecular consequence: missense variant. On other transcripts: non-coding transcript variant (5).
Genome position (GRCh38, 1-based): chr22:31,843,205, C>T. VCF-style: chr22-31843205-C-T. GRCh37 (hg19) VCF-style: chr22-32239191-C-T.
Other names: c.2599C>T, p.Leu867Phe (NM_001136029.4, NM_001369903.1, NM_014662.6); c.2392C>T, p.Leu798Phe (NM_001242897.2, NM_001363854.2, NM_001364319.2); c.2626C>T, p.Leu876Phe (NM_001363852.2, NM_001364318.2, NM_001364320.2); c.2542C>T, p.Leu848Phe (NM_001369901.1, NM_001369902.1); short protein forms L848F, L798F, L867F, L876F.
Identifiers: ClinVar variation 1794002 (VCV001794002.2), dbSNP rs2520092495, ClinGen allele CA411289241.

ClinVar aggregate classification (germline): Uncertain significance (1 of 4 stars; one submission).

Conditions:
Inborn genetic diseases. Identifiers: MedGen C0950123, MeSH D030342.

Submission:

Ambry Genetics
Classification: Uncertain significance for Inborn genetic diseases. Last evaluated: 2018-02-14. Review status: criteria provided, single submitter. Criteria: Ambry Variant Classification Scheme 2023. Collection method: clinical testing. Allele origin: germline.
Comment: The p.L876F variant (also known as c.2626C>T), located in coding exon 27 of the DEPDC5 gene, results from a C to T substitution at nucleotide position 2626. The leucine at codon 876 is replaced by phenylalanine, an amino acid with highly similar properties. This amino acid position is highly conserved in available vertebrate species. In addition, the in silico prediction for this alteration is inconclusive. Since supporting evidence is limited at this time, the clinical significance of this alteration remains unclear.